The following is an entry in ClinVar:

NM_001166114.2(PNPLA6):c.2284C>A (p.His762Asn)

Gene: PNPLA6 (patatin like domain 6, lysophospholipase; plus strand). Cytogenetic location: 19p13.2.
Variant type: single nucleotide variant.
Coding change: c.2284C>A on transcript NM_001166114.2 (MANE Select); coding-DNA position 2284, C replaced by A.
Protein change: p.His762Asn; replaces histidine 762 with asparagine.
Molecular consequence: missense variant.
Genome position (GRCh38, 1-based): chr19:7,553,898, C>A. VCF-style: chr19-7553898-C-A. GRCh37 (hg19) VCF-style: chr19-7618784-C-A.
Other names: c.2314C>A, p.His772Asn (NM_001166111.2); c.2089C>A, p.His697Asn (NM_001166112.2); c.2170C>A, p.His724Asn (NM_001166113.1, NM_006702.5); short protein forms H697N, H724N, H762N, H772N.
Identifiers: ClinVar variation 1060348 (VCV001060348.9), dbSNP rs2146099472, ClinGen allele CA403126348.

ClinVar aggregate classification (germline): Uncertain significance (1 of 4 stars; one submission).

Conditions:
Hereditary spastic paraplegia 39 (SPG39). Also called: SPASTIC PARAPLEGIA 39, AUTOSOMAL RECESSIVE; Spastic Paraplegia Type 39 (SPG39). Identifiers: Orphanet 139480, MedGen C2677586, MONDO:0012787, OMIM 612020.

Submission:

Labcorp Genetics (formerly Invitae), Labcorp
Classification: Uncertain significance for Hereditary spastic paraplegia 39. Last evaluated: 2020-03-26. Review status: criteria provided, single submitter. Criteria: Invitae Variant Classification Sherloc (09022015). Collection method: clinical testing. Allele origin: germline.
Comment: In summary, the available evidence is currently insufficient to determine the role of this variant in disease. Therefore, it has been classified as a Variant of Uncertain Significance. Algorithms developed to predict the effect of missense changes on protein structure and function (SIFT, PolyPhen-2, Align-GVGD) all suggest that this variant is likely to be tolerated, but these predictions have not been confirmed by published functional studies and their clinical significance is uncertain. This variant has not been reported in the literature in individuals with PNPLA6-related conditions. This variant is not present in population databases (ExAC no frequency). This sequence change replaces histidine with asparagine at codon 724 of the PNPLA6 protein (p.His724Asn). The histidine residue is weakly conserved and there is a small physicochemical difference between histidine and asparagine.